The following is an entry in ClinVar:

NM_007294.4(BRCA1):c.2833del (p.Ser945fs)

Gene: BRCA1 (BRCA1 DNA repair associated; minus strand). Cytogenetic location: 17q21.31.
Variant type: Deletion.
Coding change: c.2833del on transcript NM_007294.4 (MANE Select); coding-DNA position 2833, one base deleted (A; older notation c.2833delA).
Protein change: p.Ser945fs; shifts the reading frame from serine 945.
Molecular consequence: frameshift variant. On other transcripts: intron variant (137).
Genome position (GRCh38, 1-based): chr17:43,092,698, T deleted on the plus strand (A on the coding strand, the reverse complement: BRCA1 is on the minus strand). VCF-style (leftmost placement, unchanged base first): chr17-43092697-CT-C. GRCh37 (hg19) VCF-style: chr17-41244714-CT-C.
Other names: c.2620del, p.Ser874fs (NM_001407571.1, NM_001407853.1, NM_001407894.1 and 9 more transcripts); c.2833del, p.Ser945fs (NM_001407581.1, NM_001407582.1, NM_001407583.1 and 30 more transcripts); c.2830del, p.Ser944fs (NM_001407587.1, NM_001407590.1, NM_001407591.1 and 22 more transcripts); c.2824del, p.Ser942fs (NM_001407646.1, NM_001407647.1); c.2710del, p.Ser904fs (NM_001407648.1, NM_001407664.1, NM_001407665.1 and 19 more transcripts); c.2707del, p.Ser903fs (NM_001407649.1, NM_001407670.1, NM_001407671.1 and 11 more transcripts); c.2755del, p.Ser919fs (NM_001407653.1, NM_001407654.1, NM_001407655.1 and 4 more transcripts); c.2752del, p.Ser918fs (NM_001407659.1, NM_001407660.1, NM_001407661.1 and 1 more transcripts); and 41 more; short protein forms S898fs, S945fs, S649fs, S833fs, S856fs, S875fs, S877fs, S919fs.
Identifiers: ClinVar variation 1796615 (VCV001796615.2), dbSNP rs2552182985, ClinGen allele CA2580093956.

ClinVar aggregate classification (germline): Pathogenic (1 of 4 stars; one submission).

Conditions:
Hereditary cancer-predisposing syndrome. Also called: Tumor predisposition; Hereditary Cancer Syndrome; Neoplastic Syndromes, Hereditary; Hereditary neoplastic syndrome. Identifiers: Orphanet 140162, MedGen C0027672, MeSH D009386, MONDO:0015356.

Submission:

Ambry Genetics
Classification: Pathogenic for Hereditary cancer-predisposing syndrome. Last evaluated: 2017-10-09. Review status: criteria provided, single submitter. Criteria: Ambry Variant Classification Scheme 2023. Collection method: clinical testing. Allele origin: germline.
Comment: The c.2833delA pathogenic mutation, located in coding exon 9 of the BRCA1 gene, results from a deletion of one nucleotide at nucleotide position 2833, causing a translational frameshift with a predicted alternate stop codon (p.S945Vfs*55). This alteration is expected to result in loss of function by premature protein truncation or nonsense-mediated mRNA decay. As such, this alteration is interpreted as a disease-causing mutation.